The following is an entry in ClinVar:

ClinVar aggregate classification (germline): Uncertain significance (1 of 4 stars; one submission).

Conditions:
Neurofibromatosis, type 2 (SWNV). Also called: NF2-Related Schwannomatosis; BILATERAL ACOUSTIC NEUROFIBROMATOSIS; SCHWANNOMATOSIS, VESTIBULAR. Identifiers: Orphanet 637, MedGen C0027832, MONDO:0007039, OMIM 101000. Disease mechanism: loss of function.

Submission:

Labcorp Genetics (formerly Invitae), Labcorp
Classification: Uncertain significance for Neurofibromatosis, type 2. Last evaluated: 2024-04-23. Review status: criteria provided, single submitter. Criteria: Invitae Variant Classification Sherloc (09022015). Collection method: clinical testing. Allele origin: germline.
Comment: This sequence change falls in intron 1 of the NF2 gene. It does not directly change the encoded amino acid sequence of the NF2 protein. Information on the frequency of this variant in the gnomAD database is not available, as this variant may be reported differently in the database. This variant has not been reported in the literature in individuals affected with NF2-related conditions. ClinVar contains an entry for this variant (Variation ID: 2072702). Experimental studies and prediction algorithms are not available or were not evaluated, and the effect of this variant on mRNA splicing is currently unknown. In summary, the available evidence is currently insufficient to determine the role of this variant in disease. Therefore, it has been classified as a Variant of Uncertain Significance.

NM_000268.4(NF2):c.115-20_115-19delinsGT

Gene: NF2 (NF2, moesin-ezrin-radixin like (MERLIN) tumor suppressor; plus strand). Cytogenetic location: 22q12.2.
Variant type: Indel.
Coding change: c.115-20_115-19delinsGT on transcript NM_000268.4 (MANE Select); 20 bases into the intron before coding-DNA position 115 through 19 bases into the intron before coding-DNA position 115, CC replaced by GT.
Molecular consequence: intron variant.
Genome position (GRCh38, 1-based): chr22:29,636,731-29,636,732, CC replaced by GT. VCF-style: chr22-29636731-CC-GT. GRCh37 (hg19) VCF-style: chr22-30032720-CC-GT.
Other names: c.115-20_115-19delinsGT (NM_016418.5, NM_181832.3, NM_181833.3 and 2 more transcripts); c.115-2359_115-2358delinsGT (NM_181828.3); c.115-5471_115-5470delinsGT (NM_181830.3, NM_181831.3).
Identifiers: ClinVar variation 2072702 (VCV002072702.3), dbSNP rs2518411603, ClinGen allele CA2580099432.